The following is an entry in ClinVar:

ClinVar aggregate classification (germline): Pathogenic. Review status: reviewed by expert panel (3 of 4 stars). 14 submissions from 14 submitters: Pathogenic (1). 13 of the submissions do not count toward it. Last evaluated 2021-03-18.

Conditions:
RYR1-related disorder. Also called: RYR1-related disorders; RYR1-related condition. Identifiers: MedGen CN239331.
Malignant hyperthermia, susceptibility to, 1 (MHS1). Also called: Malignant hyperthermia suceptibility 1; Anesthesia related hyperthermia; Malignant hyperpyrexia; Fulminating hyperpyrexia; Pharmacogenic myopathy; RYR1-Related Malignant Hyperthermia Susceptibility. Identifiers: Orphanet 423, MedGen C2930980, MONDO:0007783, OMIM 145600.

Allele frequency attached by ClinVar (database versions not stated): gnomAD exomes below 0.00001; TOPMed below 0.00001.
gnomAD v4.1: 4 of 1,614,230 alleles (0.00025%); highest among the groups gnomAD compares: Non-Finnish European, 0.00034%; no homozygotes.

Submissions 1 to 5 of 14:

ClinGen Malignant Hyperthermia Susceptibility Variant Curation Expert Panel, ClinGen
Classification: Pathogenic for Malignant hyperthermia, susceptibility to, 1. Last evaluated: 2021-03-18. Review status: reviewed by expert panel. Criteria: ClinGen MHS ACMG Specifications V1. Collection method: curation. Allele origin: germline. Inheritance: Autosomal dominant inheritance. Study: ClinGen.
Comment: This pathogenicity assessment is relevant only for malignant hyperthermia susceptibility (MHS) inherited in an autosomal dominant pattern. Variants in RYR1 can also cause other myopathies inherited in an autosomal dominant pattern or in an autosomal recessive pattern. Some of these disorders may predispose individuals to malignant hyperthermia. RYR1 variants may also contribute to a malignant hyperthermia reaction in combination with other genetic and non-genetic factors and the clinician needs to consider such factors in making management decisions. This sequence variant predicts a substitution of glycine with arginine at codon 341 of the RYR1 protein p.(Gly341Arg), c.1021G>A. This variant is not present in a large population database (gnomAD). This variant has been reported in 71 unrelated probands who have a personal or family history of a malignant hyperthermia reaction and a positive in vitro contracture test (IVCT) or caffeine halothane contracture test (CHCT) result (when the proband was unavailable for testing a positive diagnostic test result in a mutation positive relative was counted), PS4 ( PMID:30236257, PMID:16163667, PMID: 8012359 and others). Functional studies in HEK293 cells show an increased sensitivity to RYR1 agonists, PS3_Moderate (PMID:26115329). This variant resides in a region of RYR1 considered to be a hotspot for pathogenic variants that contribute to MHS, PM1 (PMID: 21118704). This variant segregates with MHS in 66 individuals, PP1_Strong ( PMID: 8012359, PMID:9106529, PMID:17710899 and others). A REVEL score > 0.85 supports pathogenicity,PP3_Moderate. Based on using Bayes to combine criteria this variant is assessed as Pathogenic, (PMID: 29300386). Criteria implemented: PS4, PS3_Moderate, PM1, PP1_Strong, PP3_Moderate, BS2_Moderate.

Labcorp Genetics (formerly Invitae), Labcorp
Classification: Pathogenic for RYR1-related disorder. Last evaluated: 2025-12-15. Review status: criteria provided, single submitter. Criteria: Invitae Variant Classification Sherloc (09022015). Collection method: clinical testing. Allele origin: germline. Not counted in ClinVar's aggregate classification.
Comment: This sequence change replaces glycine, which is neutral and non-polar, with arginine, which is basic and polar, at codon 341 of the RYR1 protein (p.Gly341Arg). This variant is not present in population databases (gnomAD no frequency). This missense change has been observed in individuals with malignant hyperthermia (PMID: 8012359, 8825043, 19648156, 24433488). It has also been observed to segregate with disease in related individuals. ClinVar contains an entry for this variant (Variation ID: 12969). Invitae Evidence Modeling of protein sequence and biophysical properties (such as structural, functional, and spatial information, amino acid conservation, physicochemical variation, residue mobility, and thermodynamic stability) has been performed for this missense variant. However, the output from this modeling did not meet the statistical confidence thresholds required to predict the impact of this variant on RYR1 protein function. Experimental studies have shown that this missense change affects RYR1 function (PMID: 9334205, 9873004, 12732639). For these reasons, this variant has been classified as Pathogenic.

Victorian Clinical Genetics Services, Murdoch Childrens Research Institute
Classification: Pathogenic for Malignant hyperthermia, susceptibility to, 1. Last evaluated: 2025-03-06. Review status: criteria provided, single submitter. Criteria: ACMG Guidelines, 2015. Collection method: clinical testing. Allele origin: germline. Not counted in ClinVar's aggregate classification.
Comment: This variant is classified as Pathogenic. Evidence in support of pathogenic classification: Variant is present in gnomAD <0.01 (v4: 4 heterozygote(s), 0 homozygote(s)) ; This variant has strong previous evidence of pathogenicity in unrelated individuals. This variant has been classified as pathogenic for malignant hyperthermia by the ClinGen Malignant Hyperthermia Susceptibility Variant Curation Expert Panel. Additional information: Variant is predicted to result in a missense amino acid change from glycine to arginine; This variant is heterozygous; This gene is associated with both recessive and dominant disease (OMIM); Loss of function and gain of function are known mechanisms of disease in this gene and are associated with RYR1-related disorders (OMIM). Gain of function mechanism has been described in the context of malignant hyperthermia susceptibility 1 (MIM#145600) and autosomal dominant congenital myopathy 1A with susceptibility to malignant hyperthermia (MIM#117000). Autosomal recessive congenital myopathy 1B (MIM#255320) is associated with a loss of function mechanism (PMIDs: 27855725, 23919265). The mechanism of King-Denborough syndrome (MIM#619542) is unclear; Inheritance information for this variant is not currently available in this individual.

ARUP Laboratories, Molecular Genetics and Genomics, ARUP Laboratories
Classification: Pathogenic. Last evaluated: 2024-11-25. Review status: criteria provided, single submitter. Criteria: ARUP Molecular Germline Variant Investigation Process 2024. Collection method: clinical testing. Allele origin: germline. Not counted in ClinVar's aggregate classification.
Comment: The RYR1 c.1021G>A; p.Gly341Arg variant (rs121918592) is reported in the literature in numerous individuals affected with malignant hyperthermia and has been shown to segregate with disease in multiple large kindreds (Healy 1996, Heytens 2007, Miller 2018, Monnier 2005). This variant is absent from the Genome Aggregation Database (v2.1.1), indicating it is not a common polymorphism. Computational analyses predict that this variant is deleterious (REVEL: 0.864), and functional analyses in cultured cells indicate increased sensitivity to RYR1 agonists (Tong 1997). Based on available information, this variant is considered to be pathogenic. References: Healy JM et al. Diagnosis of malignant hyperthermia: a comparison of the in vitro contracture test with the molecular genetic diagnosis in a large pedigree. J Med Genet. 1996 Jan;33(1):18-24. PMID: 8825043. Heytens L. Molecular genetic detection of susceptibility to malignant hyperthermia in Belgian families. Acta Anaesthesiol Belg. 2007;58(2):113-8. PMID: 17710899. Miller DM et al. Genetic epidemiology of malignant hyperthermia in the UK. Br J Anaesth. 2018 Oct;121(4):944-952. PMID: 30236257. Monnier N et al. Correlations between genotype and pharmacological, histological, functional, and clinical phenotypes in malignant hyperthermia susceptibility. Hum Mutat. 2005 Nov;26(5):413-25. PMID: 16163667. Tong J et al. Caffeine and halothane sensitivity of intracellular Ca2+ release is altered by 15 calcium release channel (ryanodine receptor) mutations associated with malignant hyperthermia and/or central core disease. J Biol Chem. 1997 Oct 17;272(42):26332-9. PMID: 9334205.

All of Us Research Program, National Institutes of Health
Classification: Pathogenic for Malignant hyperthermia, susceptibility to, 1. Last evaluated: 2024-09-27. Review status: criteria provided, single submitter. Criteria: ACMG Guidelines, 2015. Collection method: clinical testing. Allele origin: germline. Inheritance: Autosomal dominant inheritance. Observed: 2 variant alleles, 2 heterozygotes. Not counted in ClinVar's aggregate classification.
Comment: The c.1021G>A (p.Gly341Arg) variant, located on the exon 11 of the RYR1 gene, replaces glycine with arginine at codon 341 of the RYR1 protein. This variant has been observed in at least 70 unrelated individuals with personal or family histories of a malignant hyperthermia reaction, positive in vitro contracture test (IVCT) or caffeine halothane contracture test (CHCT) (PMID:30236257, 16163667, 8012359, 8825043, 9106529, 18564801, 19648156, 24433488 and others). This variant has been observed to segregate with MHS in 66 individuals (PMID: 8012359, PMID:9106529, PMID:17710899 and others). This variant has also been observed in at least one family with a negative IVCT (PMID: 30236257). In vitro functional studies in mutant cells show increased sensitivity to RYR1 agonists (PMID: 9334205, 9873004, 12732639, 26115329). This missense variant is in a mutational hot spot region that contributes to MHS (PMID: 21118704). This variant is absent from the population database gnomAD (v4.1.0). Computational prediction (REVEL >0.85) suggests that this variant may have deleterious impact on protein structure and function. Therefore, the c.1021G>A (p.Gly341Arg) variant of RYR1 is classified as pathogenic.

This study involves interpretation of variants in research participants for the purpose of population health screening. Participant phenotype was not available at the time of variant classification. Additional details can be found in publication PMID: 35346344, PMCID: PMC8962531

NM_000540.3(RYR1):c.1021G>A (p.Gly341Arg)

Gene: RYR1 (ryanodine receptor 1; plus strand). Cytogenetic location: 19q13.2.
Variant type: single nucleotide variant.
Coding change: c.1021G>A on transcript NM_000540.3 (MANE Select); coding-DNA position 1021, G replaced by A.
Protein change: p.Gly341Arg; replaces glycine 341 with arginine.
Molecular consequence: missense variant.
Genome position (GRCh38, 1-based): chr19:38,448,712, G>A. VCF-style: chr19-38448712-G-A. GRCh37 (hg19) VCF-style: chr19-38939352-G-A.
Other names: NM_000540.3(RYR1):c.1021G>A; c.1021G>A, p.Gly341Arg (NM_001042723.2); short protein forms G341R.
Identifiers: ClinVar variation 12969 (VCV000012969.34), dbSNP rs121918592, ClinGen allele CA023827.
Genomic context (GRCh38, chr19:38,448,712, plus strand): 5'-AAGCTGGATGTGGCCCCCAAGCGGGATGTGGAGGGCATGGGCCCCCCTGAGATCAAGTAC[G>A]GGGAGTCACTGTGCTTCGTGCAGCATGTGGCCTCAGGACTGTGGCTCACCTATGCTGCTC-3'
Protein context (NP_000531.2, residues 331-351): EGMGPPEIKY[Gly341Arg]ESLCFVQHVA